The following is an entry in ClinVar:

NM_001365480.1(CCDC88A):c.1953A>C (p.Leu651Phe)

Gene: CCDC88A (coiled-coil and HOOK domain protein 88A; minus strand). Cytogenetic location: 2p16.1.
Variant type: single nucleotide variant.
Coding change: c.1953A>C on transcript NM_001365480.1 (MANE Select); coding-DNA position 1953, A replaced by C.
Protein change: p.Leu651Phe; replaces leucine 651 with phenylalanine.
Molecular consequence: missense variant.
Genome position (GRCh38, 1-based): chr2:55,334,868, T>G on the plus strand (A>C on the coding strand, the complement: CCDC88A is on the minus strand). VCF-style: chr2-55334868-T-G. GRCh37 (hg19) VCF-style: chr2-55562004-T-G.
Other names: c.1953A>C, p.Leu651Phe (NM_001135597.2, NM_001254943.2, NM_018084.5); short protein forms L651F.
Identifiers: ClinVar variation 1715404 (VCV001715404.5), dbSNP rs1278407624, ClinGen allele CA346901425.

ClinVar aggregate classification (germline): Uncertain significance (1 of 4 stars; one submission).

Submission:

Labcorp Genetics (formerly Invitae), Labcorp
Classification: Uncertain significance. Last evaluated: 2023-12-18. Review status: criteria provided, single submitter. Criteria: Invitae Variant Classification Sherloc (09022015). Collection method: clinical testing. Allele origin: germline.
Comment: This sequence change replaces leucine, which is neutral and non-polar, with phenylalanine, which is neutral and non-polar, at codon 651 of the CCDC88A protein (p.Leu651Phe). This variant is not present in population databases (gnomAD no frequency). This variant has not been reported in the literature in individuals affected with CCDC88A-related conditions. ClinVar contains an entry for this variant (Variation ID: 1715404). An algorithm developed to predict the effect of missense changes on protein structure and function (PolyPhen-2) suggests that this variant is likely to be disruptive. In summary, the available evidence is currently insufficient to determine the role of this variant in disease. Therefore, it has been classified as a Variant of Uncertain Significance.